The following is an entry in ClinVar:

NM_004187.5(KDM5C):c.4262A>G (p.Gln1421Arg)

Gene: KDM5C (lysine demethylase 5C; minus strand). Cytogenetic location: Xp11.22.
Variant type: single nucleotide variant.
Coding change: c.4262A>G on transcript NM_004187.5 (MANE Select); coding-DNA position 4262, A replaced by G.
Protein change: p.Gln1421Arg; replaces glutamine 1421 with arginine.
Molecular consequence: missense variant. On other transcripts: non-coding transcript variant (3), intron variant (1).
Genome position (GRCh38, 1-based): chrX:53,193,492, T>C on the plus strand (A>G on the coding strand, the complement: KDM5C is on the minus strand). VCF-style: chrX-53193492-T-C. GRCh37 (hg19) VCF-style: chrX-53222674-T-C.
Other names: c.4046+6A>G (NM_001146702.2); c.4259A>G, p.Gln1420Arg (NM_001282622.3, NM_001353979.2); c.4253A>G, p.Gln1418Arg (NM_001353978.3, NM_001353981.2, NM_001353984.2); c.4250A>G, p.Gln1417Arg (NM_001353982.2); short protein forms Q1417R, Q1418R, Q1420R, Q1421R.
Identifiers: ClinVar variation 3367025 (VCV003367025.1).

ClinVar aggregate classification (germline): Uncertain significance (1 of 4 stars; one submission).

Conditions:
Intellectual developmental disorder, X-linked, syndromic, Claes-Jensen type. Also called: INTELLECTUAL DEVELOPMENTAL DISORDER, X-LINKED, SYNDROMIC 16; MENTAL RETARDATION, X-LINKED, SYNDROMIC 16; Syndromic X-linked intellectual disability Claes-Jensen type. Identifiers: Orphanet 85279, MedGen C1845243, MONDO:0010355, OMIM 300534.

Submission:

Neuberg Centre For Genomic Medicine, NCGM
Classification: Uncertain significance for Intellectual developmental disorder, X-linked, syndromic, Claes-Jensen type. Last evaluated: 2023-05-20. Review status: criteria provided, single submitter. Criteria: ACMG Guidelines, 2015. Collection method: clinical testing. Allele origin: germline. Inheritance: X-linked recessive inheritance. Affected: yes.
Comment: The observed missense variant c.4262A>G(p.Gln1421Arg) in KDM5C gene has not been reported previously as a pathogenic variant nor as a benign variant, to our knowledge. The c.4262A>G variant is absent in gnomAD Exomes. The amino acid Glutamine at position 1421 is changed to a Arginine changing protein sequence and it might alter its composition and physico-chemical properties. Multiple lines of computational evidence (Polyphen, SIFT and Mutation Taster) predict no damaging effect on protein structure and function for this variant. The reference amino acid in KDM5C is predicted as conserved by GERP++ and PhyloP across 100 vertebrates. For these reasons, this variant has been classified as Uncertain Significance.